The following is an entry in ClinVar:

NM_152309.3(PIK3AP1):c.980T>C (p.Met327Thr)

Gene: PIK3AP1 (phosphoinositide-3-kinase adaptor protein 1; minus strand). Cytogenetic location: 10q24.1.
Variant type: single nucleotide variant.
Coding change: c.980T>C on transcript NM_152309.3 (MANE Select); coding-DNA position 980, T replaced by C.
Protein change: p.Met327Thr; replaces methionine 327 with threonine.
Molecular consequence: missense variant.
Genome position (GRCh38, 1-based): chr10:96,651,256, A>G on the plus strand (T>C on the coding strand, the complement: PIK3AP1 is on the minus strand). VCF-style: chr10-96651256-A-G. GRCh37 (hg19) VCF-style: chr10-98411013-A-G.
Other names: short protein forms M327T.
Identifiers: ClinVar variation 841841 (VCV000841841.1), dbSNP rs972272839, ClinGen allele CA212589769.
Genomic context (GRCh38, chr10:96,651,256, plus strand): 5'-GCAGGCTAGAATCAGCCCACGTTGGTTTCCTGAGGTTTGACTGTCAACTTACTTGTCATC[A>G]TATCTTCTTCTTCCAGCTGGTTGATTCCAAAGAGGTGCAGTCCGCTTGCAGGGATATTGT-3'
Protein context (NP_689522.2, residues 317-337): FGINQLEEED[Met327Thr]MTNQRDEELP

ClinVar aggregate classification (germline): Uncertain significance (1 of 4 stars; one submission).

Conditions:
Infantile spasms. Also called: Infantile spasm. Identifiers: MedGen C3887898, HP:0012469.

Allele frequency attached by ClinVar (database versions not stated): gnomAD exomes below 0.00001; TOPMed 0.00002.
gnomAD v4.1: 1 of 1,614,216 alleles (0.000062%); highest among the groups gnomAD compares: Non-Finnish European, 0.000085%; no homozygotes.

Submission:

Labcorp Genetics (formerly Invitae), Labcorp
Classification: Uncertain significance for Infantile spasms. Last evaluated: 2019-10-29. Review status: criteria provided, single submitter. Criteria: Invitae Variant Classification Sherloc (09022015). Collection method: clinical testing. Allele origin: germline.
Comment: This sequence change replaces methionine with threonine at codon 327 of the PIK3AP1 protein (p.Met327Thr). The methionine residue is highly conserved and there is a moderate physicochemical difference between methionine and threonine. This variant is not present in population databases (ExAC no frequency). This variant has not been reported in the literature in individuals with PIK3AP1-related conditions. Algorithms developed to predict the effect of missense changes on protein structure and function are either unavailable or do not agree on the potential impact of this missense change (SIFT: "Deleterious"; PolyPhen-2: "Benign"; Align-GVGD: "Class C15"). In summary, the available evidence is currently insufficient to determine the role of this variant in disease. Therefore, it has been classified as a Variant of Uncertain Significance.